The following is an entry in ClinVar:

ClinVar aggregate classification (germline): Uncertain significance (1 of 4 stars; one submission).

gnomAD v4.1: 25 of 1,613,420 alleles (0.0015%); highest among the groups gnomAD compares: East Asian, 0.016%; no homozygotes.

Submission:

Labcorp Genetics (formerly Invitae), Labcorp
Classification: Uncertain significance. Last evaluated: 2025-06-18. Review status: criteria provided, single submitter. Criteria: Invitae Variant Classification Sherloc (09022015). Collection method: clinical testing. Allele origin: germline.
Comment: This sequence change replaces arginine, which is basic and polar, with cysteine, which is neutral and slightly polar, at codon 1160 of the LAMC3 protein (p.Arg1160Cys). This variant is present in population databases (rs764980628, gnomAD 0.004%). This variant has not been reported in the literature in individuals affected with LAMC3-related conditions. An algorithm developed to predict the effect of missense changes on protein structure and function (PolyPhen-2) suggests that this variant is likely to be disruptive. In summary, the available evidence is currently insufficient to determine the role of this variant in disease. Therefore, it has been classified as a Variant of Uncertain Significance.

NM_006059.4(LAMC3):c.3478C>T (p.Arg1160Cys)

Gene: LAMC3 (laminin subunit gamma 3; plus strand). Cytogenetic location: 9q34.12.
Variant type: single nucleotide variant.
Coding change: c.3478C>T on transcript NM_006059.4 (MANE Select); coding-DNA position 3478, C replaced by T.
Protein change: p.Arg1160Cys; replaces arginine 1160 with cysteine.
Molecular consequence: missense variant.
Genome position (GRCh38, 1-based): chr9:131,073,305, C>T. VCF-style: chr9-131073305-C-T. GRCh37 (hg19) VCF-style: chr9-133948692-C-T.
Other names: short protein forms R1160C.
Identifiers: ClinVar variation 4761140 (VCV004761140.1).